The following is an entry in ClinVar:

ClinVar aggregate classification (germline): Uncertain significance (1 of 4 stars; one submission).

Submission:

Ambry Genetics
Classification: Uncertain significance. Last evaluated: 2023-10-10. Review status: criteria provided, single submitter. Criteria: Ambry Variant Classification Scheme 2023. Collection method: clinical testing. Allele origin: germline.
Comment: The p.N169S variant (also known as c.506A>G), located in coding exon 6 of the BUB1 gene, results from an A to G substitution at nucleotide position 506. The asparagine at codon 169 is replaced by serine, an amino acid with highly similar properties. This amino acid position is conserved. In addition, this alteration is predicted to be tolerated by in silico analysis. Since supporting evidence is limited at this time, the clinical significance of this alteration remains unclear.

NM_004336.5(BUB1):c.506A>G (p.Asn169Ser)

Gene: BUB1 (BUB1 mitotic checkpoint serine/threonine kinase; minus strand). Cytogenetic location: 2q13.
Variant type: single nucleotide variant.
Coding change: c.506A>G on transcript NM_004336.5 (MANE Select); coding-DNA position 506, A replaced by G.
Protein change: p.Asn169Ser; replaces asparagine 169 with serine.
Molecular consequence: missense variant.
Genome position (GRCh38, 1-based): chr2:110,669,514, T>C on the plus strand (A>G on the coding strand, the complement: BUB1 is on the minus strand). VCF-style: chr2-110669514-T-C. GRCh37 (hg19) VCF-style: chr2-111427091-T-C.
Other names: c.446A>G, p.Asn149Ser (NM_001278616.2); c.506A>G, p.Asn169Ser (NM_001278617.2); short protein forms N149S, N169S.
Identifiers: ClinVar variation 3224104 (VCV003224104.1), dbSNP rs2468031035, ClinGen allele CA348219254.